The following is an entry in ClinVar:

NM_000071.3(CBS):c.444dup (p.Asn149fs)

Gene: CBS (cystathionine beta-synthase; minus strand). Cytogenetic location: 21q22.3.
Variant type: Duplication.
Coding change: c.444dup on transcript NM_000071.3 (MANE Select); coding-DNA position 444, one base duplicated (G; older notation c.444dupG).
Protein change: p.Asn149fs; shifts the reading frame from asparagine 149.
Molecular consequence: frameshift variant.
Genome position (GRCh38, 1-based): chr21:43,066,250, C duplicated on the plus strand (G on the coding strand, the reverse complement: CBS is on the minus strand); the first of 3 consecutive C bases (chr21:43,066,250-43,066,252); duplicating any one gives the same sequence. VCF-style (leftmost placement, unchanged base first): chr21-43066249-T-TC. GRCh37 (hg19) VCF-style: chr21-44486359-T-TC.
Other names: c.444dup, p.Asn149fs (NM_001178008.3, NM_001178009.3, NM_001320298.2); c.129dup, p.Asn44fs (NM_001321072.1); short protein forms N149fs, N44fs.
Identifiers: ClinVar variation 1456891 (VCV001456891.7), dbSNP rs2146393621, ClinGen allele CA2573157489.

ClinVar aggregate classification (germline): Pathogenic. Review status: criteria provided, multiple submitters, no conflicts (2 of 4 stars). 2 submissions from 2 submitters: Pathogenic (2). Last evaluated 2024-03-14.

Conditions:
CBS-related disorder. Also called: CBS-related condition.
HYPERHOMOCYSTEINEMIA, THROMBOTIC, CBS-RELATED. Identifiers: MedGen C3150344, OMIM 236200.

Submissions (2):

Labcorp Genetics (formerly Invitae), Labcorp
Classification: Pathogenic for HYPERHOMOCYSTEINEMIA, THROMBOTIC, CBS-RELATED. Last evaluated: 2024-03-14. Review status: criteria provided, single submitter. Criteria: Invitae Variant Classification Sherloc (09022015). Collection method: clinical testing. Allele origin: germline.
Comment: This sequence change creates a premature translational stop signal (p.Asn149Glufs*39) in the CBS gene. It is expected to result in an absent or disrupted protein product. Loss-of-function variants in CBS are known to be pathogenic (PMID: 10338090, 12124992). This variant is not present in population databases (gnomAD no frequency). This premature translational stop signal has been observed in individual(s) with homocystinuria (PMID: 12124992). This variant is also known as 442insG. ClinVar contains an entry for this variant (Variation ID: 1456891). For these reasons, this variant has been classified as Pathogenic.

Blueprint Genetics
Classification: Pathogenic for CBS-related disorders. Last evaluated: 2021-11-10. Review status: criteria provided, single submitter. Criteria: ACMG Guidelines, 2015. Collection method: clinical testing. Allele origin: germline. Affected: yes. Observed: 2 variant alleles.

Literature cited by the submitters: PubMed 10338090 (cited by Labcorp Genetics (formerly Invitae), Labcorp); PubMed 12124992 (cited by Labcorp Genetics (formerly Invitae), Labcorp).